The following is an entry in ClinVar:

NM_005157.6(ABL1):c.1388G>A (p.Gly463Asp)

Gene: ABL1 (ABL proto-oncogene 1, non-receptor tyrosine kinase; plus strand). Cytogenetic location: 9q34.12.
Variant type: single nucleotide variant.
Coding change: c.1388G>A on transcript NM_005157.6 (MANE Select); coding-DNA position 1388, G replaced by A.
Protein change: p.Gly463Asp; replaces glycine 463 with aspartic acid.
Molecular consequence: missense variant.
Genome position (GRCh38, 1-based): chr9:130,878,532, G>A. VCF-style: chr9-130878532-G-A. GRCh37 (hg19) VCF-style: chr9-133753919-G-A.
Other names: c.1445G>A, p.Gly482Asp (NM_007313.3); short protein forms G463D, G482D.
Identifiers: ClinVar variation 1184856 (VCV001184856.3), dbSNP rs2133017541, ClinGen allele CA375251242.

ClinVar aggregate classification (germline): Pathogenic. Review status: criteria provided, single submitter (1 of 4 stars). 2 submissions from 2 submitters: Pathogenic (1). 1 of the submissions does not count toward it. Last evaluated 2024-05-07.

Conditions:
Congenital heart defects and skeletal malformations syndrome. Identifiers: Orphanet 643503, MedGen C4539857, MONDO:0060532, OMIM 617602.

Submissions (2):

GeneDx
Classification: Pathogenic. Last evaluated: 2024-05-07. Review status: criteria provided, single submitter. Criteria: GeneDx Variant Classification Process June 2021. Collection method: clinical testing. Allele origin: germline. Affected: yes.
Comment: Not observed at significant frequency in large population cohorts (gnomAD); In silico analysis supports that this missense variant has a deleterious effect on protein structure/function; This variant is associated with the following publications: (PMID: 33783941, 33057194, 35982159)

University of Washington Center for Mendelian Genomics, University of Washington
Classification: Pathogenic for Congenital heart defects and skeletal malformations syndrome. Review status: no assertion criteria provided. Collection method: research. Allele origin: de novo. Affected: yes. Not counted in ClinVar's aggregate classification.

Literature cited by the submitters: PubMed 33783941 (cited by University of Washington Center for Mendelian Genomics, University of Washington).